The following is an entry in ClinVar:

ClinVar aggregate classification (germline): Uncertain significance. Review status: criteria provided, multiple submitters, no conflicts (2 of 4 stars). 2 submissions from 2 submitters: Uncertain significance (2). Last evaluated 2025-03-14.

Conditions:
Hereditary cancer-predisposing syndrome. Also called: Tumor predisposition; Hereditary Cancer Syndrome; Hereditary neoplastic syndrome; Neoplastic Syndromes, Hereditary. Identifiers: Orphanet 140162, MedGen C0027672, MeSH D009386, MONDO:0015356.
Hereditary pheochromocytoma and paraganglioma. Also called: Hereditary paragangliomas and pheochromocytomas; Hereditary Paraganglioma-Pheochromocytoma Syndromes; Hereditary pheochromocytoma-paraganglioma. Identifiers: Orphanet 29072, MedGen C4274332, MONDO:0017366.

Submissions (2):

Ambry Genetics
Classification: Uncertain significance for Hereditary cancer-predisposing syndrome. Last evaluated: 2025-03-14. Review status: criteria provided, single submitter. Criteria: Ambry Variant Classification Scheme 2023. Collection method: clinical testing. Allele origin: germline.
Comment: The p.P234S variant (also known as c.700C>T), located in coding exon 3 of the TMEM127 gene, results from a C to T substitution at nucleotide position 700. The proline at codon 234 is replaced by serine, an amino acid with similar properties. This amino acid position is highly conserved in available vertebrate species. In addition, this alteration is predicted to be deleterious by in silico analysis. Based on the available evidence, the clinical significance of this variant remains unclear.

Labcorp Genetics (formerly Invitae), Labcorp
Classification: Uncertain significance for Hereditary pheochromocytoma and paraganglioma. Last evaluated: 2024-07-13. Review status: criteria provided, single submitter. Criteria: Invitae Variant Classification Sherloc (09022015). Collection method: clinical testing. Allele origin: germline.
Comment: This sequence change replaces proline, which is neutral and non-polar, with serine, which is neutral and polar, at codon 234 of the TMEM127 protein (p.Pro234Ser). This variant is not present in population databases (gnomAD no frequency). This variant has not been reported in the literature in individuals affected with TMEM127-related conditions. ClinVar contains an entry for this variant (Variation ID: 1756667). An algorithm developed to predict the effect of missense changes on protein structure and function (PolyPhen-2) suggests that this variant is likely to be disruptive. In summary, the available evidence is currently insufficient to determine the role of this variant in disease. Therefore, it has been classified as a Variant of Uncertain Significance.

NM_017849.4(TMEM127):c.700C>T (p.Pro234Ser)

Gene: TMEM127 (transmembrane protein 127; minus strand). Cytogenetic location: 2q11.2.
Variant type: single nucleotide variant.
Coding change: c.700C>T on transcript NM_017849.4 (MANE Select); coding-DNA position 700, C replaced by T.
Protein change: p.Pro234Ser; replaces proline 234 with serine.
Molecular consequence: missense variant.
Genome position (GRCh38, 1-based): chr2:96,253,825, G>A on the plus strand (C>T on the coding strand, the complement: TMEM127 is on the minus strand). VCF-style: chr2-96253825-G-A. GRCh37 (hg19) VCF-style: chr2-96919563-G-A.
Other names: c.700C>T, p.Pro234Ser (NM_001193304.3); c.448C>T, p.Pro150Ser (NM_001407282.1, NM_001407283.1); short protein forms P234S, P150S.
Identifiers: ClinVar variation 1756667 (VCV001756667.5), dbSNP rs780992481, ClinGen allele CA347650956.